The following is an entry in ClinVar:

ClinVar aggregate classification (germline): Uncertain significance. Review status: criteria provided, multiple submitters, no conflicts (2 of 4 stars). 3 submissions from 3 submitters: Uncertain significance (3). Last evaluated 2026-02-18.

Conditions:
SNRNP200-related disorder. Also called: SNRNP200-related condition.

Allele frequency attached by ClinVar (database versions not stated): ExAC 0.00002; gnomAD 0.00002; gnomAD exomes 0.00002 and 0.00003; TOPMed 0.00004.

Submissions (3):

PreventionGenetics, part of Exact Sciences
Classification: Uncertain significance for SNRNP200-related condition. Last evaluated: 2026-02-18. Review status: criteria provided, single submitter. Criteria: ACMG Guidelines, 2015. Collection method: clinical testing. Allele origin: germline.
Comment: The SNRNP200 c.2519G>A variant is predicted to result in the amino acid substitution p.Arg840His. To our knowledge, this variant has not been reported in the literature. This variant is reported in 0.0058% of alleles in individuals of Latino descent in gnomAD. At this time, the clinical significance of this variant is uncertain due to the absence of conclusive functional and genetic evidence.

Labcorp Genetics (formerly Invitae), Labcorp
Classification: Uncertain significance. Last evaluated: 2025-10-16. Review status: criteria provided, single submitter. Criteria: Invitae Variant Classification Sherloc (09022015). Collection method: clinical testing. Allele origin: germline.
Comment: This sequence change replaces arginine, which is basic and polar, with histidine, which is basic and polar, at codon 840 of the SNRNP200 protein (p.Arg840His). This variant is present in population databases (rs756180070, gnomAD 0.006%). This variant has not been reported in the literature in individuals affected with SNRNP200-related conditions. ClinVar contains an entry for this variant (Variation ID: 1302945). Invitae Evidence Modeling of protein sequence and biophysical properties (such as structural, functional, and spatial information, amino acid conservation, physicochemical variation, residue mobility, and thermodynamic stability) has been performed for this missense variant. However, the output from this modeling did not meet the statistical confidence thresholds required to predict the impact of this variant on SNRNP200 protein function. In summary, the available evidence is currently insufficient to determine the role of this variant in disease. Therefore, it has been classified as a Variant of Uncertain Significance.

GeneDx
Classification: Uncertain significance. Last evaluated: 2021-02-03. Review status: criteria provided, single submitter. Criteria: GeneDx Variant Classification Process June 2021. Collection method: clinical testing. Allele origin: germline. Affected: yes.
Comment: In silico analysis supports that this missense variant has a deleterious effect on protein structure/function; Has not been previously published as pathogenic or benign to our knowledge

NM_014014.5(SNRNP200):c.2519G>A (p.Arg840His)

Gene: SNRNP200 (small nuclear ribonucleoprotein U5 subunit 200; minus strand). Cytogenetic location: 2q11.2.
Variant type: single nucleotide variant.
Coding change: c.2519G>A on transcript NM_014014.5 (MANE Select); coding-DNA position 2519, G replaced by A.
Protein change: p.Arg840His; replaces arginine 840 with histidine.
Molecular consequence: missense variant.
Genome position (GRCh38, 1-based): chr2:96,290,718, C>T on the plus strand (G>A on the coding strand, the complement: SNRNP200 is on the minus strand). VCF-style: chr2-96290718-C-T. GRCh37 (hg19) VCF-style: chr2-96956456-C-T.
Other names: short protein forms R840H.
Identifiers: ClinVar variation 1302945 (VCV001302945.8), dbSNP rs756180070, ClinGen allele CA1778682.